The following is an entry in ClinVar:

ClinVar aggregate classification (germline): Uncertain significance. Review status: criteria provided, multiple submitters, no conflicts (2 of 4 stars). 2 submissions from 2 submitters: Uncertain significance (2). Last evaluated 2025-06-25.

Conditions:
Inborn genetic diseases. Identifiers: MedGen C0950123, MeSH D030342.

gnomAD v4.1: 24 of 1,613,922 alleles (0.0015%); highest among the groups gnomAD compares: Admixed American, 0.04%; no homozygotes.

Submissions (2):

Ambry Genetics
Classification: Uncertain significance for Inborn genetic diseases. Last evaluated: 2025-06-25. Review status: criteria provided, single submitter. Criteria: Ambry Variant Classification Scheme 2023. Collection method: clinical testing. Allele origin: germline.

Labcorp Genetics (formerly Invitae), Labcorp
Classification: Uncertain significance. Last evaluated: 2023-12-07. Review status: criteria provided, single submitter. Criteria: Invitae Variant Classification Sherloc (09022015). Collection method: clinical testing. Allele origin: germline.
Comment: This sequence change replaces tyrosine, which is neutral and polar, with cysteine, which is neutral and slightly polar, at codon 63 of the MBTPS1 protein (p.Tyr63Cys). This variant is present in population databases (rs148890460, gnomAD 0.02%). This variant has not been reported in the literature in individuals affected with MBTPS1-related conditions. ClinVar contains an entry for this variant (Variation ID: 1903040). An algorithm developed to predict the effect of missense changes on protein structure and function (PolyPhen-2) suggests that this variant is likely to be disruptive. In summary, the available evidence is currently insufficient to determine the role of this variant in disease. Therefore, it has been classified as a Variant of Uncertain Significance.

NM_003791.4(MBTPS1):c.188A>G (p.Tyr63Cys)

Gene: MBTPS1 (membrane bound transcription factor peptidase, site 1; minus strand). Cytogenetic location: 16q23.3.
Variant type: single nucleotide variant.
Coding change: c.188A>G on transcript NM_003791.4 (MANE Select); coding-DNA position 188, A replaced by G.
Protein change: p.Tyr63Cys; replaces tyrosine 63 with cysteine.
Molecular consequence: missense variant.
Genome position (GRCh38, 1-based): chr16:84,099,286, T>C on the plus strand (A>G on the coding strand, the complement: MBTPS1 is on the minus strand). VCF-style: chr16-84099286-T-C. GRCh37 (hg19) VCF-style: chr16-84132891-T-C.
Other names: c.188A>G (NM_003791.2); short protein forms Y63C.
Identifiers: ClinVar variation 1903040 (VCV001903040.6), dbSNP rs148890460, ClinGen allele CA8201858.
Genomic context (GRCh38, chr16:84,099,286, plus strand): 5'-TCTACTTCACTGCTCTTCAGGGCACTTGAAATAAATGAATTTCTAGCTTTGGCTGTAAAG[T>C]ATCCATTGAAAGCCACAATATATTCTGAAACCAATCACCACAAACAAAAATAAGATTTAC-3'
Protein context (NP_003782.1, residues 53-73): EYEYIVAFNG[Tyr63Cys]FTAKARNSFI